The following is an entry in ClinVar:

NM_203486.3(DLL3):c.1046A>C (p.Asn349Thr)

Gene: DLL3 (delta like canonical Notch ligand 3; plus strand). Cytogenetic location: 19q13.2.
Variant type: single nucleotide variant.
Coding change: c.1046A>C on transcript NM_203486.3 (MANE Select); coding-DNA position 1046, A replaced by C.
Protein change: p.Asn349Thr; replaces asparagine 349 with threonine.
Molecular consequence: missense variant.
Genome position (GRCh38, 1-based): chr19:39,505,404, A>C. VCF-style: chr19-39505404-A-C. GRCh37 (hg19) VCF-style: chr19-39996044-A-C.
Other names: c.1046A>C, p.Asn349Thr (NM_016941.4); short protein forms N349T.
Identifiers: ClinVar variation 3502451 (VCV003502451.2).

ClinVar aggregate classification (germline): Uncertain significance. Review status: criteria provided, multiple submitters, no conflicts (2 of 4 stars). 2 submissions from 2 submitters: Uncertain significance (2). Last evaluated 2024-11-13.

Conditions:
Inborn genetic diseases. Identifiers: MedGen C0950123, MeSH D030342.

gnomAD v4.1: 8 of 1,613,946 alleles (0.0005%); highest among the groups gnomAD compares: Non-Finnish European, 0.00059%; no homozygotes.

Submissions (2):

Ambry Genetics
Classification: Uncertain significance for Inborn genetic diseases. Last evaluated: 2024-11-13. Review status: criteria provided, single submitter. Criteria: Ambry Variant Classification Scheme 2023. Collection method: clinical testing. Allele origin: germline.

GeneDx
Classification: Uncertain significance. Last evaluated: 2024-10-17. Review status: criteria provided, single submitter. Criteria: GeneDx Variant Classification Process June 2021. Collection method: clinical testing. Allele origin: germline. Affected: yes.
Comment: Not observed at significant frequency in large population cohorts (gnomAD); In silico analysis supports that this missense variant has a deleterious effect on protein structure/function; Has not been previously published as pathogenic or benign to our knowledge